The following is an entry in ClinVar:

ClinVar aggregate classification (germline): Conflicting classifications of pathogenicity. Review status: criteria provided, conflicting classifications (1 of 4 stars). 2 submissions from 2 submitters: Pathogenic (1); Uncertain significance (1). Last evaluated 2025-11-05.

Conditions:
Autosomal recessive ataxia due to ubiquinone deficiency. Also called: Coenzyme Q10 deficiency, primary, 4; SPINOCEREBELLAR ATAXIA, AUTOSOMAL RECESSIVE 9. Identifiers: Orphanet 139485, MedGen C2677589, MONDO:0012784, OMIM 612016.

Submissions (2):

Labcorp Genetics (formerly Invitae), Labcorp
Classification: Uncertain significance. Last evaluated: 2025-11-05. Review status: criteria provided, single submitter. Criteria: Invitae Variant Classification Sherloc (09022015). Collection method: clinical testing. Allele origin: germline.
Comment: This sequence change affects an acceptor splice site in intron 4 of the COQ8A gene. RNA analysis indicates that disruption of this splice site induces altered splicing and likely results in a shortened protein product. This variant is not present in population databases (gnomAD no frequency). Disruption of this splice site has been observed in individual(s) with COQ8A-related conditions (PMID: 32830305). ClinVar contains an entry for this variant (Variation ID: 807530). Studies have shown that disruption of this splice site results in skipping of skipping of exon 5, but is expected to preserve the integrity of the reading-frame (PMID: 33098801). In summary, the available evidence is currently insufficient to determine the role of this variant in disease. Therefore, it has been classified as a Variant of Uncertain Significance.

Institute of Human Genetics Munich, TUM University Hospital
Classification: Pathogenic for Autosomal recessive ataxia due to ubiquinone deficiency. Last evaluated: 2017-12-08. Review status: criteria provided, single submitter. Criteria: Classification criteria August 2017. Collection method: clinical testing. Allele origin: inherited. Inheritance: Autosomal recessive inheritance. Affected: yes. Observed: 2 homozygotes.

Literature cited by the submitters: PubMed 32830305 (cited by Labcorp Genetics (formerly Invitae), Labcorp); PubMed 33098801 (cited by Labcorp Genetics (formerly Invitae), Labcorp).

NM_020247.5(COQ8A):c.656-1G>T

Gene: COQ8A (coenzyme Q8A; plus strand). Cytogenetic location: 1q42.13.
Variant type: single nucleotide variant.
Coding change: c.656-1G>T on transcript NM_020247.5 (MANE Select); the canonical splice acceptor site of the intron before coding-DNA position 656, G replaced by T.
Molecular consequence: splice acceptor variant.
Genome position (GRCh38, 1-based): chr1:226,977,448, G>T. VCF-style: chr1-226977448-G-T. GRCh37 (hg19) VCF-style: chr1-227165149-G-T.
Identifiers: ClinVar variation 807530 (VCV000807530.8), dbSNP rs903436781, ClinGen allele CA345051122.